The following is an entry in ClinVar:

ClinVar aggregate classification (germline): Likely benign. Review status: criteria provided, single submitter (1 of 4 stars). 2 submissions from 2 submitters: Likely benign (1). 1 of the submissions does not count toward it. Last evaluated 2026-03-01.

Conditions:
PRR12-related disorder. Also called: PRR12-related condition.

gnomAD v4.1: 475 of 1,551,936 alleles (0.031%); highest among the groups gnomAD compares: African/African-American, 0.6%; no homozygotes.

Submissions (2):

CeGaT Center for Human Genetics Tuebingen
Classification: Likely benign. Last evaluated: 2026-03-01. Review status: criteria provided, single submitter. Criteria: CeGaT Center For Human Genetics Tuebingen Variant Classification Criteria Version 2. Collection method: clinical testing. Allele origin: germline. Affected: yes. Observed: 1 variant allele.
Comment: PRR12: BP4, BP7, BS1

PreventionGenetics, part of Exact Sciences
Classification: Likely benign for PRR12-related condition. Last evaluated: 2024-03-06. Review status: no assertion criteria provided. Collection method: clinical testing. Allele origin: germline. Not counted in ClinVar's aggregate classification.
Comment: This variant is classified as likely benign based on ACMG/AMP sequence variant interpretation guidelines (Richards et al. 2015 PMID: 25741868, with internal and published modifications).

NM_020719.3(PRR12):c.2817C>T (p.Leu939=)

Gene: PRR12 (proline rich 12; plus strand). Cytogenetic location: 19q13.33.
Variant type: single nucleotide variant.
Coding change: c.2817C>T on transcript NM_020719.3 (MANE Select); coding-DNA position 2817, C replaced by T.
Protein change: p.Leu939=; no amino-acid change (leucine 939 retained).
Molecular consequence: synonymous variant.
Genome position (GRCh38, 1-based): chr19:49,597,152, C>T. VCF-style: chr19-49597152-C-T. GRCh37 (hg19) VCF-style: chr19-50100409-C-T.
Identifiers: ClinVar variation 3355512 (VCV003355512.5).